The following is an entry in ClinVar:

ClinVar aggregate classification (germline): Pathogenic (1 of 4 stars; one submission).

Conditions:
Severe combined immunodeficiency due to DCLRE1C deficiency (RS-SCID). Also called: SCID, AUTOSOMAL RECESSIVE, T CELL-NEGATIVE, B CELL-NEGATIVE, NK CELL-POSITIVE, WITH SENSITIVITY TO IONIZING RADIATION. Identifiers: Orphanet 275, MedGen C1865371, MONDO:0011225, OMIM 602450.

Submission:

Cowan and Puck Lab, Allergy Immunology and BMT Division, UCSF Benioff Children's Hospital
Classification: Pathogenic for Athabaskan severe combined immunodeficiency. Last evaluated: 2019-08-05. Review status: criteria provided, single submitter. Criteria: ACMG Guidelines, 2015. Collection method: clinical testing. Allele origin: germline. Affected: yes.
Comment: 1 PSV1(loss of initiation, loss of multiple exons); 1 PM2 (rare); 1 PP4(phenotype consistent); 1 PM1(critical domains affected)

Literature cited by the submitters: PubMed 15071507; PubMed 14744996.

NC_000010.10:g.14983601_15065700del

Genes: DCLRE1C (DNA cross-link repair 1C; minus strand), MEIG1 (meiosis/spermiogenesis associated 1; plus strand). Cytogenetic location: 10p13.
Variant type: Deletion.
Identifiers: ClinVar variation 1713266 (VCV001713266.2).